The following is an entry in ClinVar:

ClinVar aggregate classification (germline): Uncertain significance (1 of 4 stars; one submission).

Conditions:
Inborn genetic diseases. Identifiers: MedGen C0950123, MeSH D030342.

Submission:

Ambry Genetics
Classification: Uncertain significance for Inborn genetic diseases. Last evaluated: 2025-09-27. Review status: criteria provided, single submitter. Criteria: Ambry Variant Classification Scheme 2023. Collection method: clinical testing. Allele origin: germline.
Comment: The p.L696R variant (also known as c.2087T>G), located in coding exon 13 of the ASXL1 gene, results from a T to G substitution at nucleotide position 2087. The leucine at codon 696 is replaced by arginine, an amino acid with dissimilar properties. This amino acid position is conserved. In addition, the in silico prediction for this alteration is inconclusive. Based on the available evidence, the clinical significance of this variant remains unclear.

NM_015338.6(ASXL1):c.2087T>G (p.Leu696Arg)

Gene: ASXL1 (ASXL transcriptional regulator 1; plus strand). Cytogenetic location: 20q11.21.
Variant type: single nucleotide variant.
Coding change: c.2087T>G on transcript NM_015338.6 (MANE Select); coding-DNA position 2087, T replaced by G.
Protein change: p.Leu696Arg; replaces leucine 696 with arginine.
Molecular consequence: missense variant.
Genome position (GRCh38, 1-based): chr20:32,434,799, T>G. VCF-style: chr20-32434799-T-G. GRCh37 (hg19) VCF-style: chr20-31022602-T-G.
Other names: c.1904T>G, p.Leu635Arg (NM_001363734.1); short protein forms L696R, L635R.
Identifiers: ClinVar variation 4587398 (VCV004587398.1).
Genomic context (GRCh38, chr20:32,434,799, plus strand): 5'-AGCCCAGGGGAGGCCCGAGCACCCCTGGAAAGTGTACGTCAGATCTACAGCGAACACAAC[T>G]ACTGCCGCCTTATCCTCTAAATGGGGAGCATACCCAGGCCGGAACTGCCATGTCCAGAGC-3'
Protein context (NP_056153.2, residues 686-706): KCTSDLQRTQ[Leu696Arg]LPPYPLNGEH